The following is an entry in ClinVar:

NM_032119.4(ADGRV1):c.16845C>A (p.Ala5615=)

Gene: ADGRV1 (adhesion G protein-coupled receptor V1; plus strand). Cytogenetic location: 5q14.3.
Variant type: single nucleotide variant.
Coding change: c.16845C>A on transcript NM_032119.4 (MANE Select); coding-DNA position 16845, C replaced by A.
Protein change: p.Ala5615=; no amino-acid change (alanine 5615 retained).
Molecular consequence: synonymous variant. On other transcripts: non-coding transcript variant (1).
Genome position (GRCh38, 1-based): chr5:90,840,811, C>A. VCF-style: chr5-90840811-C-A. GRCh37 (hg19) VCF-style: chr5-90136628-C-A.
Identifiers: ClinVar variation 929960 (VCV000929960.7), dbSNP rs1765358320, ClinGen allele CA445716143.

ClinVar aggregate classification (germline): Likely benign. Review status: criteria provided, multiple submitters, no conflicts (2 of 4 stars). 2 submissions from 2 submitters: Likely benign (2). Last evaluated 2023-04-28.

Submissions (2):

Labcorp Genetics (formerly Invitae), Labcorp
Classification: Likely benign. Last evaluated: 2023-04-28. Review status: criteria provided, single submitter. Criteria: Invitae Variant Classification Sherloc (09022015). Collection method: clinical testing. Allele origin: germline.

Laboratory for Molecular Medicine, Mass General Brigham Personalized Medicine
Classification: Likely benign. Last evaluated: 2019-08-12. Review status: criteria provided, single submitter. Criteria: LMM Criteria. Collection method: clinical testing. Allele origin: germline. Observed: 1 variant allele.
Comment: The p.Ala5615Ala variant in ADGRV1 is classified as likely benign because it does not alter an amino acid residue, it is not located within the splice consensus sequence, and splice prediction algorithms do not predict a newly created splice site. ACMG/AMP Criteria applied: BP4, BP7.